The following is an entry in ClinVar:

ClinVar aggregate classification (germline): Conflicting classifications of pathogenicity. Review status: criteria provided, conflicting classifications (1 of 4 stars). 2 submissions from 1 submitter: Uncertain significance (1); Likely benign (1). Last evaluated 2018-01-13.

Conditions:
Sacral defect with anterior meningocele. Identifiers: MedGen C1838568, OMIM 600145.
Neural tube defect (NTD). Also called: Neural tube defects. Identifiers: Orphanet 3388, Orphanet 823, MedGen C0027794, MONDO:0018075, HP:0045005.

Allele frequency attached by ClinVar (database versions not stated): gnomAD exomes 0.00001 and 0.00004; ExAC 0.00002; TOPMed 0.00005; gnomAD 0.00006; ESP Exome Variant Server 0.00008.
gnomAD v4.1: 33 of 1,613,022 alleles (0.002%); highest among the groups gnomAD compares: Admixed American, 0.0017%; no homozygotes.

Submissions (2):

Illumina Laboratory Services, Illumina
Classification: Likely benign for Sacral defect with anterior meningocele. Last evaluated: 2018-01-13. Review status: criteria provided, single submitter. Criteria: ICSL Variant Classification Criteria 13 December 2019. Collection method: clinical testing. Allele origin: germline.
Comment: This variant was observed in the ICSL laboratory as part of a predisposition screen in an ostensibly healthy population. It had not been previously curated by ICSL or reported in the Human Gene Mutation Database (HGMD: prior to June 1st, 2018), and was therefore a candidate for classification through an automated scoring system. Utilizing variant allele frequency, disease prevalence and penetrance estimates, and inheritance mode, an automated score was calculated to assess if this variant is too frequent to cause the disease. Based on the score and internal cut-off values, a variant classified as likely benign is not then subjected to further curation. The score for this variant resulted in a classification of likely benign for this disease.

Illumina Laboratory Services, Illumina
Classification: Uncertain significance for Neural tube defects, susceptibility to. Last evaluated: 2018-01-13. Review status: criteria provided, single submitter. Criteria: ICSL Variant Classification Criteria 13 December 2019. Collection method: clinical testing. Allele origin: germline.

NM_138959.3(VANGL1):c.812+9C>T

Gene: VANGL1 (VANGL planar cell polarity protein 1; plus strand). Cytogenetic location: 1p13.1.
Variant type: single nucleotide variant.
Coding change: c.812+9C>T on transcript NM_138959.3 (MANE Select); 9 bases into the intron after coding-DNA position 812, C replaced by T.
Molecular consequence: intron variant.
Genome position (GRCh38, 1-based): chr1:115,664,277, C>T. VCF-style: chr1-115664277-C-T. GRCh37 (hg19) VCF-style: chr1-116206898-C-T.
Other names: c.806+9C>T (NM_001172411.2); c.812+9C>T (NM_001172412.2).
Identifiers: ClinVar variation 292009 (VCV000292009.5), dbSNP rs370321176, ClinGen allele CA1023323.